The following is an entry in ClinVar:

ClinVar aggregate classification (germline): Benign. Review status: criteria provided, multiple submitters, no conflicts (2 of 4 stars). 3 submissions from 3 submitters: Benign (2). 1 of the submissions does not count toward it. Last evaluated 2019-12-31.

Conditions:
APBA2-related disorder. Also called: APBA2-related condition.

Allele frequency attached by ClinVar (database versions not stated): ExAC 0.00983; 1000 Genomes Project 30x 0.01671; TOPMed 0.02096; ESP Exome Variant Server 0.02145; gnomAD exomes 0.00913; 1000 Genomes Project 0.01558; gnomAD 0.01891 and 0.02010.
gnomAD v4.1: 15,468 of 1,614,074 alleles (0.96%); highest among the groups gnomAD compares: African/African-American, 4.8%; 144 homozygotes.

Submissions (3):

Labcorp Genetics (formerly Invitae), Labcorp
Classification: Benign. Last evaluated: 2019-12-31. Review status: criteria provided, single submitter. Criteria: Invitae Variant Classification Sherloc (09022015). Collection method: clinical testing. Allele origin: germline.

Breakthrough Genomics
Classification: Benign. Review status: criteria provided, single submitter. Criteria: ACMG Guidelines, 2015. Collection method: not provided. Allele origin: germline. Inheritance: Unknown mechanism. Affected: yes.

PreventionGenetics, part of Exact Sciences
Classification: Benign for APBA2-related condition. Last evaluated: 2019-03-29. Review status: no assertion criteria provided. Collection method: clinical testing. Allele origin: germline. Not counted in ClinVar's aggregate classification.
Comment: This variant is classified as benign based on ACMG/AMP sequence variant interpretation guidelines (Richards et al. 2015 PMID: 25741868, with internal and published modifications).

NM_001353788.2(APBA2):c.1216-9T>C

Gene: APBA2 (amyloid beta precursor protein binding family A member 2; plus strand). Cytogenetic location: 15q13.1.
Variant type: single nucleotide variant.
Coding change: c.1216-9T>C on transcript NM_001353788.2 (MANE Select); 9 bases into the intron before coding-DNA position 1216, T replaced by C.
Molecular consequence: intron variant.
Genome position (GRCh38, 1-based): chr15:29,094,269, T>C. VCF-style: chr15-29094269-T-C. GRCh37 (hg19) VCF-style: chr15-29386472-T-C.
Other names: c.1216-9T>C (NM_001353790.2, NM_001353789.2, NM_001353795.2 and 2 more transcripts); c.1215+1049T>C (NM_001353792.2, NM_001130414.1, NM_001353793.2 and 1 more transcripts); c.328-9T>C (NM_001353796.2); c.327+1049T>C (NM_001353797.2).
Identifiers: ClinVar variation 781835 (VCV000781835.7), dbSNP rs79272756, ClinGen allele CA7445336.